The following is an entry in ClinVar:

NM_004655.4(AXIN2):c.527C>T (p.Thr176Ile)

Gene: AXIN2 (axin 2; minus strand). Cytogenetic location: 17q24.1.
Variant type: single nucleotide variant.
Coding change: c.527C>T on transcript NM_004655.4 (MANE Select); coding-DNA position 527, C replaced by T.
Protein change: p.Thr176Ile; replaces threonine 176 with isoleucine.
Molecular consequence: missense variant.
Genome position (GRCh38, 1-based): chr17:65,558,094, G>A on the plus strand (C>T on the coding strand, the complement: AXIN2 is on the minus strand). VCF-style: chr17-65558094-G-A. GRCh37 (hg19) VCF-style: chr17-63554212-G-A.
Other names: c.527C>T (LRG_296t1); c.527C>T, p.Thr176Ile (NM_001363813.1); short protein forms T176I.
Identifiers: ClinVar variation 240023 (VCV000240023.17), dbSNP rs878854731, ClinGen allele CA10583662.

ClinVar aggregate classification (germline): Uncertain significance. Review status: criteria provided, multiple submitters, no conflicts (2 of 4 stars). 4 submissions from 4 submitters: Uncertain significance (4). Last evaluated 2025-11-05.

Conditions:
Hereditary cancer-predisposing syndrome. Also called: Neoplastic Syndromes, Hereditary; Hereditary neoplastic syndrome; Tumor predisposition; Hereditary Cancer Syndrome. Identifiers: Orphanet 140162, MedGen C0027672, MeSH D009386, MONDO:0015356.
Colorectal cancer. Also called: Colorectal cancer, somatic; Malignant Colorectal Neoplasm. Identifiers: MedGen C0346629, MONDO:0005575, OMIM 114500.
Oligodontia-cancer predisposition syndrome. Also called: TOOTH AGENESIS-COLORECTAL CANCER SYNDROME. Identifiers: Orphanet 300576, MedGen C1837750, MONDO:0012075, OMIM 608615. Disease mechanism: loss of function.

Allele frequency attached by ClinVar (database versions not stated): gnomAD exomes below 0.00001; gnomAD 0.00002; TOPMed 0.00002.
gnomAD v4.1: 4 of 1,613,914 alleles (0.00025%); highest among the groups gnomAD compares: African/African-American, 0.0053%; no homozygotes.

Submissions (4):

Labcorp Genetics (formerly Invitae), Labcorp
Classification: Uncertain significance for Oligodontia-cancer predisposition syndrome. Last evaluated: 2025-11-05. Review status: criteria provided, single submitter. Criteria: Invitae Variant Classification Sherloc (09022015). Collection method: clinical testing. Allele origin: germline.
Comment: This sequence change replaces threonine, which is neutral and polar, with isoleucine, which is neutral and non-polar, at codon 176 of the AXIN2 protein (p.Thr176Ile). This variant is present in population databases (no rsID available, gnomAD 0.008%). This variant has not been reported in the literature in individuals affected with AXIN2-related conditions. ClinVar contains an entry for this variant (Variation ID: 240023). Invitae Evidence Modeling of protein sequence and biophysical properties (such as structural, functional, and spatial information, amino acid conservation, physicochemical variation, residue mobility, and thermodynamic stability) has been performed for this missense variant. However, the output from this modeling did not meet the statistical confidence thresholds required to predict the impact of this variant on AXIN2 protein function. In summary, the available evidence is currently insufficient to determine the role of this variant in disease. Therefore, it has been classified as a Variant of Uncertain Significance.

GeneDx
Classification: Uncertain significance. Last evaluated: 2024-06-30. Review status: criteria provided, single submitter. Criteria: GeneDx Variant Classification Process June 2021. Collection method: clinical testing. Allele origin: germline. Affected: yes.
Comment: Not observed at significant frequency in large population cohorts (gnomAD); In silico analysis supports that this missense variant has a deleterious effect on protein structure/function; Has not been previously published as pathogenic or benign to our knowledge; This variant is associated with the following publications: (PMID: 15735151)

Baylor Genetics
Classification: Uncertain significance for Colorectal cancer. Last evaluated: 2024-01-31. Review status: criteria provided, single submitter. Criteria: ACMG Guidelines, 2015. Collection method: clinical testing. Allele origin: unknown.

Ambry Genetics
Classification: Uncertain significance for Hereditary cancer-predisposing syndrome. Last evaluated: 2023-12-06. Review status: criteria provided, single submitter. Criteria: Ambry Variant Classification Scheme 2023. Collection method: clinical testing. Allele origin: germline.
Comment: The p.T176I variant (also known as c.527C>T), located in coding exon 1 of the AXIN2 gene, results from a C to T substitution at nucleotide position 527. The threonine at codon 176 is replaced by isoleucine, an amino acid with similar properties. This amino acid position is conserved. In addition, this alteration is predicted to be tolerated by in silico analysis. Since supporting evidence is limited at this time, the clinical significance of this alteration remains unclear.